The following is an entry in ClinVar:

NM_001367823.1(ARHGEF18):c.968-333C>T

Gene: ARHGEF18 (Rho/Rac guanine nucleotide exchange factor 18; plus strand). Cytogenetic location: 19p13.2.
Variant type: single nucleotide variant.
Coding change: c.968-333C>T on transcript NM_001367823.1 (MANE Select); 333 bases into the intron before coding-DNA position 968, C replaced by T.
Molecular consequence: intron variant. On other transcripts: 5 prime UTR variant (1).
Genome position (GRCh38, 1-based): chr19:7,440,011, C>T. VCF-style: chr19-7440011-C-T. GRCh37 (hg19) VCF-style: chr19-7504897-C-T.
Other names: c.-92C>T (NM_001130955.2); c.-226-178C>T (NM_001367824.1); c.-71-333C>T (NM_015318.4).
Identifiers: ClinVar variation 1355728 (VCV001355728.7), dbSNP rs1291208215, ClinGen allele CA403092851.

ClinVar aggregate classification (germline): Uncertain significance (1 of 4 stars; one submission).

Allele frequency attached by ClinVar (database versions not stated): gnomAD exomes 0.00001.
gnomAD v4.1: 15 of 1,550,514 alleles (0.00097%); highest among the groups gnomAD compares: South Asian, 0.018%; no homozygotes.

Submission:

Labcorp Genetics (formerly Invitae), Labcorp
Classification: Uncertain significance. Last evaluated: 2024-11-18. Review status: criteria provided, single submitter. Criteria: Invitae Variant Classification Sherloc (09022015). Collection method: clinical testing. Allele origin: germline.
Comment: This sequence change replaces alanine, which is neutral and non-polar, with valine, which is neutral and non-polar, at codon 24 of the ARHGEF18 protein (p.Ala24Val). The frequency data for this variant in the population databases is considered unreliable, as metrics indicate poor data quality at this position in the gnomAD database. This variant has not been reported in the literature in individuals affected with ARHGEF18-related conditions. ClinVar contains an entry for this variant (Variation ID: 1355728). An algorithm developed to predict the effect of missense changes on protein structure and function outputs the following: PolyPhen-2: "Benign". The valine amino acid residue is found in multiple mammalian species, which suggests that this missense change does not adversely affect protein function. In summary, the available evidence is currently insufficient to determine the role of this variant in disease. Therefore, it has been classified as a Variant of Uncertain Significance.